The following is an entry in ClinVar:

NC_000017.10:g.(?_59820354)_(59886138_?)dup

Gene: BRIP1 (BRCA1 interacting DNA helicase 1; minus strand). Cytogenetic location: 17q23.2.
Variant type: Duplication.
Identifiers: ClinVar variation 3242967 (VCV003242967.1).

ClinVar aggregate classification (germline): Uncertain significance (1 of 4 stars; one submission).

Conditions:
Familial cancer of breast. Also called: BREAST CANCER, FAMILIAL; hereditary breast carcinoma; Hereditary breast cancer. Identifiers: Orphanet 227535, MedGen C0346153, MONDO:0016419, OMIM 114480. Disease mechanism: loss of function.
Fanconi anemia complementation group J. Also called: BRIP1-Related Fanconi Anemia. Identifiers: Orphanet 84, MedGen C1836860, MONDO:0012187, OMIM 609054.

Submission:

Labcorp Genetics (formerly Invitae), Labcorp
Classification: Uncertain significance for Familial cancer of breast; Fanconi anemia complementation group J. Last evaluated: 2023-12-01. Review status: criteria provided, single submitter. Criteria: Invitae Variant Classification Sherloc (09022015). Collection method: clinical testing. Allele origin: unknown.
Comment: This variant results in a copy number gain of the genomic region encompassing exon(s) 7-16 of the BRIP1 gene. While the exact position of this variant cannot be determined from the data, sub-genic copy number gains are generally in tandem (PMID: 25640679). This variant is predicted to be in-frame, and likely preserves the integrity of the reading frame. This variant has not been reported in the literature in individuals affected with BRIP1-related conditions. In summary, the available evidence is currently insufficient to determine the role of this variant in disease. Therefore, it has been classified as a Variant of Uncertain Significance.

Literature cited by the submitters: PubMed 25640679.